The following is an entry in ClinVar:

NM_002303.6(LEPR):c.637T>C (p.Leu213=)

Gene: LEPR (leptin receptor; plus strand). Cytogenetic location: 1p31.3.
Variant type: single nucleotide variant.
Coding change: c.637T>C on transcript NM_002303.6 (MANE Select); coding-DNA position 637, T replaced by C.
Protein change: p.Leu213=; no amino-acid change (leucine 213 retained).
Molecular consequence: synonymous variant.
Genome position (GRCh38, 1-based): chr1:65,592,799, T>C. VCF-style: chr1-65592799-T-C. GRCh37 (hg19) VCF-style: chr1-66058482-T-C.
Other names: c.637T>C, p.Leu213= (NM_001003679.3, NM_001003680.3, NM_001198687.2 and 2 more transcripts).
Identifiers: ClinVar variation 4746833 (VCV004746833.2).

ClinVar aggregate classification (germline): Likely benign. Review status: criteria provided, multiple submitters, no conflicts (2 of 4 stars). 2 submissions from 2 submitters: Likely benign (2). Last evaluated 2025-10-21.

Conditions:
LEPR-related disorder. Also called: LEPR-related condition; LEPR-related disorders.

gnomAD v4.1: 33 of 1,613,276 alleles (0.002%); highest among the groups gnomAD compares: Non-Finnish European, 0.0027%; no homozygotes.

Submissions (2):

Labcorp Genetics (formerly Invitae), Labcorp
Classification: Likely benign. Last evaluated: 2025-10-21. Review status: criteria provided, single submitter. Criteria: Invitae Variant Classification Sherloc (09022015). Collection method: clinical testing. Allele origin: germline.

PreventionGenetics, part of Exact Sciences
Classification: Likely benign for LEPR-related condition. Last evaluated: 2025-09-12. Review status: criteria provided, single submitter. Criteria: ACMG Guidelines, 2015. Collection method: clinical testing. Allele origin: germline.
Comment: This variant is classified as likely benign based on ACMG/AMP sequence variant interpretation guidelines (Richards et al. 2015 PMID: 25741868, with internal and published modifications).